The following is an entry in ClinVar:

ClinVar aggregate classification (germline): Uncertain significance (1 of 4 stars; one submission).

Allele frequency attached by ClinVar (database versions not stated): TOPMed below 0.00001.
gnomAD v4.1: 42 of 1,551,292 alleles (0.0027%); highest among the groups gnomAD compares: Non-Finnish European, 0.0037%; no homozygotes.

Submission:

Labcorp Genetics (formerly Invitae), Labcorp
Classification: Uncertain significance. Last evaluated: 2022-08-01. Review status: criteria provided, single submitter. Criteria: Invitae Variant Classification Sherloc (09022015). Collection method: clinical testing. Allele origin: germline.
Comment: This sequence change replaces alanine, which is neutral and non-polar, with valine, which is neutral and non-polar, at codon 441 of the KPNA7 protein (p.Ala441Val). This variant is present in population databases (no rsID available, gnomAD 0.007%). In summary, the available evidence is currently insufficient to determine the role of this variant in disease. Therefore, it has been classified as a Variant of Uncertain Significance. Algorithms developed to predict the effect of missense changes on protein structure and function (SIFT, PolyPhen-2, Align-GVGD) all suggest that this variant is likely to be tolerated. This variant has not been reported in the literature in individuals affected with KPNA7-related conditions.

NM_001145715.3(KPNA7):c.1322C>T (p.Ala441Val)

Gene: KPNA7 (karyopherin subunit alpha 7; minus strand). Cytogenetic location: 7q22.1.
Variant type: single nucleotide variant.
Coding change: c.1322C>T on transcript NM_001145715.3 (MANE Select); coding-DNA position 1322, C replaced by T.
Protein change: p.Ala441Val; replaces alanine 441 with valine.
Molecular consequence: missense variant.
Genome position (GRCh38, 1-based): chr7:99,178,062, G>A on the plus strand (C>T on the coding strand, the complement: KPNA7 is on the minus strand). VCF-style: chr7-99178062-G-A. GRCh37 (hg19) VCF-style: chr7-98775685-G-A.
Other names: short protein forms A441V.
Identifiers: ClinVar variation 2144739 (VCV002144739.2), dbSNP rs1313375390, ClinGen allele CA368417440.